The following is an entry in ClinVar:

ClinVar aggregate classification (germline): Uncertain significance (1 of 4 stars; one submission).

Submission:

GeneDx
Classification: Uncertain significance. Last evaluated: 2019-06-28. Review status: criteria provided, single submitter. Criteria: GeneDx Variant Classification Process June 2021. Collection method: clinical testing. Allele origin: germline. Affected: yes.
Comment: Not observed in large population cohorts (Lek et al., 2016); In silico analysis, which includes protein predictors and evolutionary conservation, supports that this variant does not alter protein structure/function; Has not been previously published as pathogenic or benign to our knowledge

NM_005982.4(SIX1):c.568A>G (p.Thr190Ala)

Gene: SIX1 (SIX homeobox 1; minus strand). Cytogenetic location: 14q23.1.
Variant type: single nucleotide variant.
Coding change: c.568A>G on transcript NM_005982.4 (MANE Select); coding-DNA position 568, A replaced by G.
Protein change: p.Thr190Ala; replaces threonine 190 with alanine.
Molecular consequence: missense variant.
Genome position (GRCh38, 1-based): chr14:60,646,570, T>C on the plus strand (A>G on the coding strand, the complement: SIX1 is on the minus strand). VCF-style: chr14-60646570-T-C. GRCh37 (hg19) VCF-style: chr14-61113288-T-C.
Other names: short protein forms T190A.
Identifiers: ClinVar variation 1306683 (VCV001306683.2), dbSNP rs1894946047, ClinGen allele CA389910016.